The following is an entry in ClinVar:

ClinVar aggregate classification (germline): Likely pathogenic. Review status: criteria provided, single submitter (1 of 4 stars). 2 submissions from 2 submitters: Likely pathogenic (1). 1 of the submissions does not count toward it. Last evaluated 2021-09-10.

Conditions:
Spastic paraplegia. Identifiers: MedGen C0037772, HP:0001258.

Submissions (2):

GeneDx
Classification: Likely pathogenic. Last evaluated: 2021-09-10. Review status: criteria provided, single submitter. Criteria: GeneDx Variant Classification Process June 2021. Collection method: clinical testing. Allele origin: germline. Affected: yes.
Comment: Frameshift variant predicted to result in protein truncation, as the last 195 amino acids are replaced with 17 different amino acids, and other loss-of-function variants have been reported downstream in published literature (Husain et al., 2020; Ghosh et al., 2020); Not observed in large population cohorts (Lek et al., 2016); Has not been previously published as pathogenic or benign to our knowledge

Yale Center for Mendelian Genomics, Yale University
Classification: Likely pathogenic for Spastic paraplegia. Last evaluated: 2021-05-10. Review status: no assertion criteria provided. Collection method: literature only. Allele origin: germline. Affected: yes. Observed: 1 compound heterozygote. Study: Yale Center for Mendelian Genomics. Not counted in ClinVar's aggregate classification.

Literature cited by the submitters: PubMed 33970200 (cited by Yale Center for Mendelian Genomics, Yale University).

NM_032756.4(HPDL):c.529_530del (p.Leu177fs)

Gene: HPDL (4-hydroxyphenylpyruvate dioxygenase like; plus strand). Cytogenetic location: 1p34.1.
Variant type: Deletion.
Coding change: c.529_530del on transcript NM_032756.4 (MANE Select); coding-DNA positions 529 to 530, 2 bases deleted (TT; older notation c.529_530delTT).
Protein change: p.Leu177fs; shifts the reading frame from leucine 177.
Molecular consequence: frameshift variant.
Genome position (GRCh38, 1-based): chr1:45,327,677-45,327,678, TT deleted; deleting any 2 consecutive bases within chr1:45,327,675-45,327,678 gives the same sequence; the c. name uses the placement nearest the transcript's 3' end. VCF-style (leftmost placement, unchanged base first): chr1-45327674-CTT-C. GRCh37 (hg19) VCF-style: chr1-45793346-CTT-C.
Other names: short protein forms L177fs.
Identifiers: ClinVar variation 1321134 (VCV001321134.3), dbSNP rs1644253428, ClinGen allele CA2473710521.